The following is an entry in ClinVar:

NM_000051.4(ATM):c.1477C>T (p.Arg493Cys)

Gene: ATM (ATM serine/threonine kinase; plus strand). Cytogenetic location: 11q22.3.
Variant type: single nucleotide variant.
Coding change: c.1477C>T on transcript NM_000051.4 (MANE Select); coding-DNA position 1477, C replaced by T.
Protein change: p.Arg493Cys; replaces arginine 493 with cysteine.
Molecular consequence: missense variant.
Genome position (GRCh38, 1-based): chr11:108,250,942, C>T. VCF-style: chr11-108250942-C-T. GRCh37 (hg19) VCF-style: chr11-108121669-C-T.
Other names: c.1477C>T, p.Arg493Cys (NM_001351834.2); short protein forms R493C.
Identifiers: ClinVar variation 453370 (VCV000453370.26), dbSNP rs750280306, ClinGen allele CA6264819.
Genomic context (GRCh38, chr11:108,250,942, plus strand): 5'-GAAAGCTCACAAAAGTCAGATTTATTAAAACTCTGGAATAAAATTTGGTGTATTACCTTT[C>T]GTGGTATAAGTTCTGAGCAAATACAAGCTGAAAACTTTGGCTTACTTGGAGCCATAATTC-3'
Protein context (NP_000042.3, residues 483-503): LWNKIWCITF[Arg493Cys]GISSEQIQAE

ClinVar aggregate classification (germline): Uncertain significance. Review status: criteria provided, multiple submitters, no conflicts (2 of 4 stars). 7 submissions from 7 submitters: Uncertain significance (6). 1 of the submissions does not count toward it. Last evaluated 2026-02-03.

Conditions:
Hereditary cancer-predisposing syndrome. Also called: Tumor predisposition; Hereditary Cancer Syndrome; Neoplastic Syndromes, Hereditary; Hereditary neoplastic syndrome. Identifiers: Orphanet 140162, MedGen C0027672, MeSH D009386, MONDO:0015356.
Ataxia-telangiectasia syndrome (AT). Also called: Cerebello-oculocutaneous telangiectasia; Immunodeficiency with ataxia telangiectasia; Ataxia-telangiectasia, complementation group D; AT, COMPLEMENTATION GROUP C; Ataxia-telangiectasia, complementation group E; LOUIS-BAR SYNDROME. Identifiers: Orphanet 100, MedGen C0004135, MONDO:0008840, OMIM 208900.
Familial cancer of breast. Also called: Hereditary breast cancer; hereditary breast carcinoma; BREAST CANCER, FAMILIAL. Identifiers: Orphanet 227535, MedGen C0346153, MONDO:0016419, OMIM 114480. Disease mechanism: loss of function.

Allele frequency attached by ClinVar (database versions not stated): gnomAD exomes below 0.00001 and 0.00001; TOPMed below 0.00001; ExAC 0.00001; gnomAD 0.00001.
gnomAD v4.1: 14 of 1,613,992 alleles (0.00087%); highest among the groups gnomAD compares: Non-Finnish European, 0.0011%; no homozygotes.

Submissions (7):

Labcorp Genetics (formerly Invitae), Labcorp
Classification: Uncertain significance for Ataxia-telangiectasia syndrome. Last evaluated: 2026-02-03. Review status: criteria provided, single submitter. Criteria: Invitae Variant Classification Sherloc (09022015). Collection method: clinical testing. Allele origin: germline.
Comment: This sequence change replaces arginine, which is basic and polar, with cysteine, which is neutral and slightly polar, at codon 493 of the ATM protein (p.Arg493Cys). This variant is present in population databases (rs750280306, gnomAD 0.002%). This variant has not been reported in the literature in individuals affected with ATM-related conditions. ClinVar contains an entry for this variant (Variation ID: 453370). Invitae Evidence Modeling of protein sequence and biophysical properties (such as structural, functional, and spatial information, amino acid conservation, physicochemical variation, residue mobility, and thermodynamic stability) indicates that this missense variant is not expected to disrupt ATM protein function with a negative predictive value of 95%. In summary, the available evidence is currently insufficient to determine the role of this variant in disease. Therefore, it has been classified as a Variant of Uncertain Significance.

Ambry Genetics
Classification: Uncertain significance for Hereditary cancer-predisposing syndrome. Last evaluated: 2025-06-06. Review status: criteria provided, single submitter. Criteria: Ambry Variant Classification Scheme 2023. Collection method: clinical testing. Allele origin: germline.
Comment: The p.R493C variant (also known as c.1477C>T), located in coding exon 9 of the ATM gene, results from a C to T substitution at nucleotide position 1477. The arginine at codon 493 is replaced by cysteine, an amino acid with highly dissimilar properties. This amino acid position is highly conserved in available vertebrate species. In addition, this alteration is predicted to be deleterious by in silico analysis. Based on the available evidence, the clinical significance of this variant remains unclear.

Baylor Genetics
Classification: Uncertain significance for Familial cancer of breast. Last evaluated: 2024-03-29. Review status: criteria provided, single submitter. Criteria: ACMG Guidelines, 2015. Collection method: clinical testing. Allele origin: unknown.

Fulgent Genetics
Classification: Uncertain significance for Familial cancer of breast; Ataxia-telangiectasia syndrome. Last evaluated: 2024-03-27. Review status: criteria provided, single submitter. Criteria: ACMG Guidelines, 2015. Collection method: clinical testing. Allele origin: germline.

Women's Health and Genetics/Laboratory Corporation of America, LabCorp
Classification: Uncertain significance. Last evaluated: 2023-05-23. Review status: criteria provided, single submitter. Criteria: LabCorp Variant Classification Summary - May 2015. Collection method: clinical testing. Allele origin: germline.
Comment: Variant summary: ATM c.1477C>T (p.Arg493Cys) results in a non-conservative amino acid change in the encoded protein sequence. Three of five in-silico tools predict a damaging effect of the variant on protein function. The variant allele was found at a frequency of 4e-06 in 251286 control chromosomes. The available data on variant occurrences in the general population are insufficient to allow any conclusion about variant significance. To our knowledge, no occurrence of c.1477C>T in individuals affected with Breast Cancer and no experimental evidence demonstrating its impact on protein function have been reported. Four clinical diagnostic laboratories have submitted clinical-significance assessments for this variant to ClinVar after 2014. All laboratories classified the variant as uncertain significance. Based on the evidence outlined above, the variant was classified as uncertain significance.

Color Diagnostics, LLC DBA Color Health
Classification: Uncertain significance for Hereditary cancer-predisposing syndrome. Last evaluated: 2020-04-28. Review status: criteria provided, single submitter. Criteria: ACMG Guidelines, 2015. Collection method: clinical testing. Allele origin: germline.
Comment: This missense variant replaces arginine with cysteine at codon 493 of the ATM protein. Computational prediction suggests that this variant may not impact protein structure and function (internally defined REVEL score threshold <= 0.5, PMID: 27666373). Splice site prediction tools suggest that this variant may not impact RNA splicing. To our knowledge, functional studies have not been reported for this variant. This variant has not been reported in individuals affected with hereditary cancer in the literature. This variant has been identified in 2/282676 chromosomes in the general population by the Genome Aggregation Database (gnomAD). The available evidence is insufficient to determine the role of this variant in disease conclusively. Therefore, this variant is classified as a Variant of Uncertain Significance.

Natera, Inc.
Classification: Uncertain significance for Ataxia-telangiectasia. Last evaluated: 2021-10-19. Review status: no assertion criteria provided. Collection method: clinical testing. Allele origin: germline. Not counted in ClinVar's aggregate classification.